The following is an entry in ClinVar:

NM_002198.3(IRF1):c.853+133G>T

Gene: IRF1 (interferon regulatory factor 1; minus strand). Cytogenetic location: 5q31.1.
Variant type: single nucleotide variant.
Coding change: c.853+133G>T on transcript NM_002198.3 (MANE Select); 133 bases into the intron after coding-DNA position 853, G replaced by T.
Molecular consequence: intron variant.
Genome position (GRCh38, 1-based): chr5:132,484,229, C>A on the plus strand (G>T on the coding strand, the complement: IRF1 is on the minus strand). VCF-style: chr5-132484229-C-A. GRCh37 (hg19) VCF-style: chr5-131819921-C-A.
Other names: c.730+133G>T (NM_001354924.1); c.668-154G>T (NM_001354925.1).
Identifiers: ClinVar variation 2688486 (VCV002688486.2), dbSNP rs2070729, ClinGen allele CA11981361.
Genomic context (GRCh38, chr5:132,484,229, plus strand): 5'-TCTTCCCAGCACAGCAGTAAACATCCACTCAGCTTCAGGCAAACCTTAAGGCATGGCAGC[C>A]GTAGCTAATTCACAATGTGTCAGTACCCCAGATGCTTTACCGCCCTGCTCCCTGGCCCTG-3'

ClinVar aggregate classification (germline): Benign (1 of 4 stars; one submission).

Allele frequency attached by ClinVar (database versions not stated): gnomAD 0.51932; TOPMed 0.52292; 1000 Genomes Project 30x 0.60197; 1000 Genomes Project 0.60603.
gnomAD v4.1: 658,935 of 1,411,578 alleles (47%); highest among the groups gnomAD compares: East Asian, 69%; 158,672 homozygotes.

Submission:

Unidad de Genómica Garrahan, Hospital de Pediatría Garrahan
Classification: Benign. Last evaluated: 2024-01-24. Review status: criteria provided, single submitter. Criteria: ACMG Guidelines, 2015. Collection method: clinical testing. Allele origin: germline. Affected: no. Observed: 21 variant alleles.
Comment: This variant is classified as Benign based on local population frequency. This variant was detected in 24% of patients studied by a panel of primary immunodeficiencies. Number of patients: 21. Only high quality variants are reported.